The following is an entry in ClinVar:

ClinVar aggregate classification (germline): Uncertain significance (1 of 4 stars; one submission).

Submission:

Ambry Genetics
Classification: Uncertain significance. Last evaluated: 2025-08-25. Review status: criteria provided, single submitter. Criteria: Ambry Variant Classification Scheme 2023. Collection method: clinical testing. Allele origin: germline.
Comment: The p.K1142N variant (also known as c.3426A>C), located in coding exon 2 of the TET2 gene, results from an A to C substitution at nucleotide position 3426. The lysine at codon 1142 is replaced by asparagine, an amino acid with similar properties. This amino acid position is conserved. In addition, this alteration is predicted to be tolerated by in silico analysis. Based on the available evidence, the clinical significance of this variant remains unclear.

NM_001127208.3(TET2):c.3426A>C (p.Lys1142Asn)

Genes: TET2 (tet methylcytosine dioxygenase 2; plus strand), TET2-AS1 (TET2 antisense RNA 1; minus strand). Cytogenetic location: 4q24.
Variant type: single nucleotide variant.
Coding change: c.3426A>C on transcript NM_001127208.3 (MANE Select); coding-DNA position 3426, A replaced by C.
Protein change: p.Lys1142Asn; replaces lysine 1142 with asparagine.
Molecular consequence: missense variant. On other transcripts: 3 prime UTR variant (1).
Genome position (GRCh38, 1-based): chr4:105,241,355, A>C. VCF-style: chr4-105241355-A-C. GRCh37 (hg19) VCF-style: chr4-106162512-A-C.
Other names: c.*3915A>C (NM_017628.4); short protein forms K1142N.
Identifiers: ClinVar variation 4183033 (VCV004183033.1).
Genomic context (GRCh38, chr4:105,241,355, plus strand): 5'-GTATAATTGAGGTCTAAAATAATAATCTTCTATTATCTCAACAGAGCAAATTATTGAAAA[A>C]GATGAAGGTCCTTTTTATACCCATCTAGGAGCAGGTCCTAATGTGGCAGCTATTAGAGAA-3'
Protein context (NP_001120680.1, residues 1132-1152): SCRCVEQIIE[Lys1142Asn]DEGPFYTHLG